The following is an entry in ClinVar:

ClinVar aggregate classification (germline): Uncertain significance (1 of 4 stars; one submission).

Conditions:
Polycystic kidney disease, adult type (PKD1). Also called: Polycystic Kidney, Autosomal Dominant; POLYCYSTIC KIDNEY DISEASE, ADULT, TYPE I; Polycystic Kidney Disease 1, Autosomal Dominant; Polycystic kidney disease 1; Polycystic kidney disease 1, severe; POLYCYSTIC KIDNEY DISEASE 1 WITH OR WITHOUT POLYCYSTIC LIVER DISEASE. Identifiers: MedGen C3149841, MONDO:0008263, OMIM 173900.

Submission:

Victorian Clinical Genetics Services, Murdoch Childrens Research Institute
Classification: Uncertain significance for Polycystic kidney disease, adult type. Last evaluated: 2025-11-10. Review status: criteria provided, single submitter. Criteria: ACMG Guidelines, 2015. Collection method: clinical testing. Allele origin: germline. Affected: yes.
Comment: This variant is classified as VUS-3C. Evidence in support of pathogenic classification: Variant is absent from gnomAD (v2, v3 and v4). Evidence in support of benign classification: Missense variant predicted to be tolerated by in silico tool(s) or not conserved in placental mammals with a minor amino acid change. Additional information: Variant is predicted to result in a missense amino acid change from Val to Met; This variant is heterozygous; This gene is associated with autosomal dominant disease. Polycystic kidney disease 1 (MIM#173900) is predominantly caused by monoallelic variants, with rare reports of biallelic variants causing disease (OMIM); This variant has no previous evidence of pathogenicity; No published evidence of segregation with disease has been identified for this variant; No published functional evidence has been identified for this variant; No comparable missense variants have previous evidence for pathogenicity; Variant is not located in an established domain, motif, hotspot or informative constraint region; Loss of function is a known mechanism of disease in this gene and is associated with polycystic kidney disease 1 (MIM#173900); Inheritance information for this variant is not currently available in this individual.

NM_001009944.3(PKD1):c.433G>A (p.Val145Met)

Gene: PKD1 (polycystin 1, transient receptor potential channel interacting; minus strand). Cytogenetic location: 16p13.3.
Variant type: single nucleotide variant.
Coding change: c.433G>A on transcript NM_001009944.3 (MANE Select); coding-DNA position 433, G replaced by A.
Protein change: p.Val145Met; replaces valine 145 with methionine.
Molecular consequence: missense variant.
Genome position (GRCh38, 1-based): chr16:2,118,772, C>T on the plus strand (G>A on the coding strand, the complement: PKD1 is on the minus strand). VCF-style: chr16-2118772-C-T. GRCh37 (hg19) VCF-style: chr16-2168773-C-T.
Other names: c.433G>A, p.Val145Met (NM_000296.4); short protein forms V145M.
Identifiers: ClinVar variation 4531591 (VCV004531591.1).